The following is an entry in ClinVar:

ClinVar aggregate classification (germline): Pathogenic (1 of 4 stars; one submission).

Conditions:
Familial cancer of breast. Also called: BREAST CANCER, FAMILIAL; hereditary breast carcinoma; Hereditary breast cancer. Identifiers: Orphanet 227535, MedGen C0346153, MONDO:0016419, OMIM 114480. Disease mechanism: loss of function.

Submission:

Myriad Genetics, Inc.
Classification: Pathogenic for Familial cancer of breast. Last evaluated: 2023-06-23. Review status: criteria provided, single submitter. Criteria: Myriad Autosomal Dominant, Autosomal Recessive and X-Linked Classification Criteria (2023). Collection method: clinical testing. Allele origin: unknown.
Comment: This variant is considered pathogenic. This variant creates a frameshift predicted to result in premature protein truncation.

NM_007194.4(CHEK2):c.335_342delinsCACATTCACACA (p.Asn112fs)

Gene: CHEK2 (checkpoint kinase 2; minus strand). Cytogenetic location: 22q12.1.
Variant type: Indel.
Coding change: c.335_342delinsCACATTCACACA on transcript NM_007194.4 (MANE Select); coding-DNA positions 335 to 342, ACTACTGG replaced by CACATTCACACA.
Protein change: p.Asn112fs; shifts the reading frame from asparagine 112.
Molecular consequence: frameshift variant.
Genome position (GRCh38, 1-based): chr22:28,725,345-28,725,352, CCAGTAGT replaced by TGTGTGAATGTG on the plus strand (ACTACTGG replaced by CACATTCACACA on the coding strand, the reverse complement: CHEK2 is on the minus strand). VCF-style: chr22-28725345-CCAGTAGT-TGTGTGAATGTG. GRCh37 (hg19) VCF-style: chr22-29121333-CCAGTAGT-TGTGTGAATGTG.
Other names: c.464_471delACTACTGGinsCACATTCACACA, p.Asn155Thrfs (NM_001005735.3); c.-443_-436delACTACTGGinsCACATTCACACA (NM_001257387.3); c.335_342delACTACTGGinsCACATTCACACA, p.Asn112Thrfs (NM_001349956.3, NM_145862.3); short protein forms N112fs, N155fs.
Identifiers: ClinVar variation 2584210 (VCV002584210.2), dbSNP rs2518061060, ClinGen allele CA2582342807.